The following is an entry in ClinVar:

ClinVar aggregate classification (germline): Uncertain significance (1 of 4 stars; one submission).

Submission:

GeneDx
Classification: Uncertain significance. Last evaluated: 2022-12-10. Review status: criteria provided, single submitter. Criteria: GeneDx Variant Classification Process June 2021. Collection method: clinical testing. Allele origin: germline. Affected: yes.
Comment: In-frame deletion of 1 amino acid in a non-repeat region; Not observed at significant frequency in large population cohorts (gnomAD); In silico analysis supports a deleterious effect on protein structure/function; Has not been previously published as pathogenic or benign to our knowledge

NM_004667.6(HERC2):c.8751_8753del (p.Glu2918del)

Gene: HERC2 (HECT and RLD domain containing E3 ubiquitin protein ligase 2; minus strand). Cytogenetic location: 15q13.1.
Variant type: Deletion.
Coding change: c.8751_8753del on transcript NM_004667.6 (MANE Select); coding-DNA positions 8751 to 8753, 3 bases deleted (GGA; older notation c.8751_8753delGGA).
Protein change: p.Glu2918del; deletes glutamic acid 2918.
Molecular consequence: inframe deletion.
Genome position (GRCh38, 1-based): chr15:28,186,649-28,186,651, TCC deleted on the plus strand (GGA on the coding strand, the reverse complement: HERC2 is on the minus strand); deleting any 3 consecutive bases within chr15:28,186,649-28,186,653 gives the same sequence; the c. name uses the placement nearest the transcript's 3' end. VCF-style (leftmost placement, unchanged base first): chr15-28186648-TTCC-T. GRCh37 (hg19) VCF-style: chr15-28431794-TTCC-T.
Other names: short protein forms E2918del.
Identifiers: ClinVar variation 2504813 (VCV002504813.1), dbSNP rs2549039646, ClinGen allele CA2575654464.
Genomic context (GRCh38, chr15:28,186,648, plus strand): 5'-GCCTTTCTCATCCTCCTCCTCTTCATTATCCGAAGCTAAGAAAGGAACTGCAGCCAAATC[TTCC>T]TCTTCTGCACGGATCCGTCCCAGCAGGATGAGACCATGGATTTTACAATCGATTCCTGAG-3'